The following is an entry in ClinVar:

NM_020937.4(FANCM):c.3578A>C (p.Gln1193Pro)

Gene: FANCM (FA complementation group M; plus strand). Cytogenetic location: 14q21.2.
Variant type: single nucleotide variant.
Coding change: c.3578A>C on transcript NM_020937.4 (MANE Select); coding-DNA position 3578, A replaced by C.
Protein change: p.Gln1193Pro; replaces glutamine 1193 with proline.
Molecular consequence: missense variant.
Genome position (GRCh38, 1-based): chr14:45,176,332, A>C. VCF-style: chr14-45176332-A-C. GRCh37 (hg19) VCF-style: chr14-45645535-A-C.
Other names: c.3500A>C, p.Gln1167Pro (NM_001308133.2); c.3578A>C (NM_020937.2); short protein forms Q1167P, Q1193P.
Identifiers: ClinVar variation 1039174 (VCV001039174.9), dbSNP rs1888695039, ClinGen allele CA389602143.

ClinVar aggregate classification (germline): Uncertain significance. Review status: criteria provided, multiple submitters, no conflicts (2 of 4 stars). 2 submissions from 2 submitters: Uncertain significance (2). Last evaluated 2025-07-14.

Conditions:
Inborn genetic diseases. Identifiers: MedGen C0950123, MeSH D030342.
Fanconi anemia (FA). Also called: Fanconi's anemia. Identifiers: Orphanet 84, MedGen C0015625, MeSH D005199, MONDO:0019391.

Submissions (2):

Ambry Genetics
Classification: Uncertain significance for Inborn genetic diseases. Last evaluated: 2025-07-14. Review status: criteria provided, single submitter. Criteria: Ambry Variant Classification Scheme 2023. Collection method: clinical testing. Allele origin: germline.
Comment: The p.Q1193P variant (also known as c.3578A>C), located in coding exon 14 of the FANCM gene, results from an A to C substitution at nucleotide position 3578. The glutamine at codon 1193 is replaced by proline, an amino acid with similar properties. This amino acid position is conserved. In addition, this alteration is predicted to be tolerated by in silico analysis. Based on the available evidence, the clinical significance of this variant remains unclear.

Labcorp Genetics (formerly Invitae), Labcorp
Classification: Uncertain significance for Fanconi anemia. Last evaluated: 2020-04-28. Review status: criteria provided, single submitter. Criteria: Invitae Variant Classification Sherloc (09022015). Collection method: clinical testing. Allele origin: germline.
Comment: Algorithms developed to predict the effect of missense changes on protein structure and function output the following: SIFT: "Tolerated"; PolyPhen-2: "Benign"; Align-GVGD: "Class C0". The proline amino acid residue is found in multiple mammalian species, suggesting that this missense change does not adversely affect protein function. These predictions have not been confirmed by published functional studies and their clinical significance is uncertain. In summary, the available evidence is currently insufficient to determine the role of this variant in disease. Therefore, it has been classified as a Variant of Uncertain Significance. This variant has not been reported in the literature in individuals with FANCM-related conditions. This variant is not present in population databases (ExAC no frequency). This sequence change replaces glutamine with proline at codon 1193 of the FANCM protein (p.Gln1193Pro). The glutamine residue is weakly conserved and there is a moderate physicochemical difference between glutamine and proline.